The following is an entry in ClinVar:

ClinVar aggregate classification (germline): Likely benign. Review status: criteria provided, multiple submitters, no conflicts (2 of 4 stars). 3 submissions from 3 submitters: Likely benign (2). 1 of the submissions does not count toward it. Last evaluated 2025-07-21.

Conditions:
TRAPPC11-related disorder. Also called: TRAPPC11-related condition.
Autosomal recessive limb-girdle muscular dystrophy type R18 (LGMDR18). Also called: Limb-girdle muscular dystrophy, type 2S; MUSCULAR DYSTROPHY, LIMB-GIRDLE, AUTOSOMAL RECESSIVE 18; Autosomal recessive limb-girdle muscular dystrophy type 2S. Identifiers: Orphanet 369840, MedGen C4517996, MONDO:0014144, OMIM 615356.

Allele frequency attached by ClinVar (database versions not stated): ExAC 0.00003; gnomAD exomes 0.00004; gnomAD 0.00005 and 0.00006; TOPMed 0.00005.
gnomAD v4.1: 175 of 1,531,212 alleles (0.011%); highest among the groups gnomAD compares: Non-Finnish European, 0.014%; no homozygotes.

Submissions (3):

Labcorp Genetics (formerly Invitae), Labcorp
Classification: Likely benign for Autosomal recessive limb-girdle muscular dystrophy type R18. Last evaluated: 2025-07-21. Review status: criteria provided, single submitter. Criteria: Invitae Variant Classification Sherloc (09022015). Collection method: clinical testing. Allele origin: germline.

CeGaT Center for Human Genetics Tuebingen
Classification: Likely benign. Last evaluated: 2022-05-01. Review status: criteria provided, single submitter. Criteria: CeGaT Center For Human Genetics Tuebingen Variant Classification Criteria Version 2. Collection method: clinical testing. Allele origin: germline. Affected: yes. Observed: 1 variant allele.
Comment: TRAPPC11: BP4

PreventionGenetics, part of Exact Sciences
Classification: Likely benign for TRAPPC11-related condition. Last evaluated: 2019-03-13. Review status: no assertion criteria provided. Collection method: clinical testing. Allele origin: germline. Not counted in ClinVar's aggregate classification.
Comment: This variant is classified as likely benign based on ACMG/AMP sequence variant interpretation guidelines (Richards et al. 2015 PMID: 25741868, with internal and published modifications).

NM_021942.6(TRAPPC11):c.446-6C>T

Gene: TRAPPC11 (trafficking protein particle complex subunit 11; plus strand). Cytogenetic location: 4q35.1.
Variant type: single nucleotide variant.
Coding change: c.446-6C>T on transcript NM_021942.6 (MANE Select); 6 bases into the intron before coding-DNA position 446, C replaced by T.
Molecular consequence: intron variant.
Genome position (GRCh38, 1-based): chr4:183,667,997, C>T. VCF-style: chr4-183667997-C-T. GRCh37 (hg19) VCF-style: chr4-184589150-C-T.
Other names: c.446-6C>T (NM_199053.3).
Identifiers: ClinVar variation 949874 (VCV000949874.41), dbSNP rs201044687, ClinGen allele CA3151594.
Genomic context (GRCh38, chr4:183,667,997, plus strand): 5'-ATATTTATTTGGGAAGCTACATTAGTTATTTTATTTCTCATTCATCTTGATGGGGATTAT[C>T]AACAGGAGAAGATGTCATTGCTTCAGAAAGGGCTGCAGCTTTATGCAATGCATGTGAACT-3'